The following is an entry in ClinVar:

NM_001128178.3(NPHP1):c.1835C>T (p.Thr612Ile)

Gene: NPHP1 (nephrocystin 1; minus strand). Cytogenetic location: 2q13.
Variant type: single nucleotide variant.
Coding change: c.1835C>T on transcript NM_001128178.3 (MANE Select); coding-DNA position 1835, C replaced by T.
Protein change: p.Thr612Ile; replaces threonine 612 with isoleucine.
Molecular consequence: missense variant. On other transcripts: 3 prime UTR variant (1).
Genome position (GRCh38, 1-based): chr2:110,123,990, G>A on the plus strand (C>T on the coding strand, the complement: NPHP1 is on the minus strand). VCF-style: chr2-110123990-G-A. GRCh37 (hg19) VCF-style: chr2-110881567-G-A.
Other names: c.2003C>T, p.Thr668Ile (NM_000272.5); c.1646C>T, p.Thr549Ile (NM_001128179.3); c.1832C>T, p.Thr611Ile (NM_001374256.1); c.*77C>T (NM_001374257.1); c.2000C>T, p.Thr667Ile (NM_207181.4); short protein forms T611I, T667I, T668I, T612I, T549I.
Identifiers: ClinVar variation 1466932 (VCV001466932.8), dbSNP rs2104409447, ClinGen allele CA348086225.
Genomic context (GRCh38, chr2:110,123,990, plus strand): 5'-ATAACTTTCCACCGTGCAGTCTCAGTCTCTTCTTCTGCCCACCTGAATGGGGGTAGGCGT[G>A]TGGAGTGGAGAAGTGGGAGCACGCAGTCATGGTAAACCAGGAGAAACGTGGACTTCAGGA-3'
Protein context (NP_001121650.1, residues 602-622): HDCVLPLLHS[Thr612Ile]RLPPFRWAEE

ClinVar aggregate classification (germline): Uncertain significance (1 of 4 stars; one submission).

Conditions:
Nephronophthisis. Also called: Juvenile Nephronophthisis. Identifiers: Orphanet 655, MedGen C0687120, MONDO:0019005, HP:0000090.

Submission:

Labcorp Genetics (formerly Invitae), Labcorp
Classification: Uncertain significance for Nephronophthisis. Last evaluated: 2021-05-14. Review status: criteria provided, single submitter. Criteria: Invitae Variant Classification Sherloc (09022015). Collection method: clinical testing. Allele origin: germline.
Comment: In summary, the available evidence is currently insufficient to determine the role of this variant in disease. Therefore, it has been classified as a Variant of Uncertain Significance. Algorithms developed to predict the effect of missense changes on protein structure and function are either unavailable or do not agree on the potential impact of this missense change (SIFT: "Tolerated"; PolyPhen-2: "Possibly Damaging"; Align-GVGD: "Class C0"). This variant has not been reported in the literature in individuals with NPHP1-related conditions. This variant is not present in population databases (ExAC no frequency). This sequence change replaces threonine with isoleucine at codon 668 of the NPHP1 protein (p.Thr668Ile). The threonine residue is moderately conserved and there is a moderate physicochemical difference between threonine and isoleucine.